The following is an entry in ClinVar:

ClinVar aggregate classification (germline): Likely pathogenic (1 of 4 stars; one submission).

Conditions:
Retinitis pigmentosa 43 (RP43). Identifiers: Orphanet 791, MedGen C3151139, MONDO:0013437, OMIM 613810.

Submission:

Juno Genomics, Hangzhou Juno Genomics, Inc
Classification: Likely pathogenic for Retinitis pigmentosa 43. Review status: criteria provided, single submitter. Criteria: ACMG Guidelines, 2015. Collection method: clinical testing. Allele origin: germline.
Comment: Null variant in a gene where loss of function (LOF) is a known mechanism of disease.;Absent from controls (or at extremely low frequency if recessive) in Genome Aggregation Database.

NM_000440.3(PDE6A):c.1896_1909del (p.Leu632fs)

Gene: PDE6A (phosphodiesterase 6A; minus strand). Cytogenetic location: 5q32.
Variant type: Deletion.
Coding change: c.1896_1909del on transcript NM_000440.3 (MANE Select); coding-DNA positions 1896 to 1909, 14 bases deleted (GGAGTTTGGCAAAA).
Protein change: p.Leu632fs; shifts the reading frame from leucine 632.
Molecular consequence: frameshift variant.
Genome position (GRCh38, 1-based): chr5:149,884,797-149,884,810, TTTTGCCAAACTCC deleted on the plus strand (GGAGTTTGGCAAAA on the coding strand, the reverse complement: PDE6A is on the minus strand). VCF-style (leftmost placement, unchanged base first): chr5-149884796-GTTTTGCCAAACTCC-G. GRCh37 (hg19) VCF-style: chr5-149264359-GTTTTGCCAAACTCC-G.
Other names: c.1653_1666del, p.Leu551fs (NM_001410788.1); short protein forms L632fs, L551fs.
Identifiers: ClinVar variation 5006853 (VCV005006853.2).